The following is an entry in ClinVar:

ClinVar aggregate classification (germline): Pathogenic (1 of 4 stars; one submission).

Allele frequency attached by ClinVar (database versions not stated): gnomAD 0.00001; gnomAD exomes 0.00001; TOPMed 0.00001; ExAC 0.00002.
gnomAD v4.1: 22 of 1,613,744 alleles (0.0014%); highest among the groups gnomAD compares: African/African-American, 0.0027%; no homozygotes.

Submission:

Labcorp Genetics (formerly Invitae), Labcorp
Classification: Pathogenic. Last evaluated: 2024-09-08. Review status: criteria provided, single submitter. Criteria: Invitae Variant Classification Sherloc (09022015). Collection method: clinical testing. Allele origin: germline.
Comment: This sequence change creates a premature translational stop signal (p.Arg104*) in the EXOSC9 gene. It is expected to result in an absent or disrupted protein product. Loss-of-function variants in EXOSC9 are known to be pathogenic (PMID: 29727687, 33040083). This variant is present in population databases (rs747801924, gnomAD 0.005%). This variant has not been reported in the literature in individuals affected with EXOSC9-related conditions. Algorithms developed to predict the effect of sequence changes on RNA splicing suggest that this variant may disrupt the consensus splice site. For these reasons, this variant has been classified as Pathogenic.

Literature cited by the submitters: PubMed 29727687; PubMed 33040083.

NM_005033.3(EXOSC9):c.310C>T (p.Arg104Ter)

Gene: EXOSC9 (exosome component 9; plus strand). Cytogenetic location: 4q27.
Variant type: single nucleotide variant.
Coding change: c.310C>T on transcript NM_005033.3 (MANE Select); coding-DNA position 310, C replaced by T.
Protein change: p.Arg104Ter; replaces arginine 104 with a stop codon.
Molecular consequence: nonsense.
Genome position (GRCh38, 1-based): chr4:121,802,943, C>T. VCF-style: chr4-121802943-C-T. GRCh37 (hg19) VCF-style: chr4-122724098-C-T.
Other names: c.310C>T, p.Arg104Ter (NM_001034194.2); short protein forms R104*.
Identifiers: ClinVar variation 2968175 (VCV002968175.3), dbSNP rs747801924, ClinGen allele CA3063364.